The following is an entry in ClinVar:

NM_006346.4(PIBF1):c.1254G>A (p.Val418=)

Gene: PIBF1 (progesterone immunomodulatory binding factor 1; plus strand). Cytogenetic location: 13q22.1.
Variant type: single nucleotide variant.
Coding change: c.1254G>A on transcript NM_006346.4 (MANE Select); coding-DNA position 1254, G replaced by A.
Protein change: p.Val418=; no amino-acid change (valine 418 retained).
Molecular consequence: synonymous variant. On other transcripts: non-coding transcript variant (2).
Genome position (GRCh38, 1-based): chr13:72,854,087, G>A. VCF-style: chr13-72854087-G-A. GRCh37 (hg19) VCF-style: chr13-73428225-G-A.
Other names: c.1341G>A, p.Val447= (NM_001349655.2); c.1254G>A (NM_006346.2).
Identifiers: ClinVar variation 2643844 (VCV002643844.27), dbSNP rs200333064, ClinGen allele CA7002215.

ClinVar aggregate classification (germline): Benign/Likely benign. Review status: criteria provided, multiple submitters, no conflicts (2 of 4 stars). 3 submissions from 3 submitters: Benign (1); Likely benign (1). 1 of the submissions does not count toward it. Last evaluated 2026-02-01.

Conditions:
PIBF1-related disorder. Also called: PIBF1-related condition.

Allele frequency attached by ClinVar (database versions not stated): ESP Exome Variant Server 0.00038.
gnomAD v4.1: 1,322 of 1,613,058 alleles (0.082%); highest among the groups gnomAD compares: Non-Finnish European, 0.1%; 1 homozygote.

Submissions (3):

CeGaT Center for Human Genetics Tuebingen
Classification: Likely benign. Last evaluated: 2026-02-01. Review status: criteria provided, single submitter. Criteria: CeGaT Center For Human Genetics Tuebingen Variant Classification Criteria Version 2. Collection method: clinical testing. Allele origin: germline. Affected: yes. Observed: 4 variant alleles.
Comment: PIBF1: BP4, BP7

Labcorp Genetics (formerly Invitae), Labcorp
Classification: Benign. Last evaluated: 2025-11-28. Review status: criteria provided, single submitter. Criteria: Invitae Variant Classification Sherloc (09022015). Collection method: clinical testing. Allele origin: germline.

PreventionGenetics, part of Exact Sciences
Classification: Likely benign for PIBF1-related condition. Last evaluated: 2023-03-02. Review status: no assertion criteria provided. Collection method: clinical testing. Allele origin: germline. Not counted in ClinVar's aggregate classification.
Comment: This variant is classified as likely benign based on ACMG/AMP sequence variant interpretation guidelines (Richards et al. 2015 PMID: 25741868, with internal and published modifications).